The following is an entry in ClinVar:

NM_017617.5(NOTCH1):c.371A>C (p.Glu124Ala)

Gene: NOTCH1 (notch receptor 1; minus strand). Cytogenetic location: 9q34.3.
Variant type: single nucleotide variant.
Coding change: c.371A>C on transcript NM_017617.5 (MANE Select); coding-DNA position 371, A replaced by C.
Protein change: p.Glu124Ala; replaces glutamic acid 124 with alanine.
Molecular consequence: missense variant.
Genome position (GRCh38, 1-based): chr9:136,523,749, T>G on the plus strand (A>C on the coding strand, the complement: NOTCH1 is on the minus strand). VCF-style: chr9-136523749-T-G. GRCh37 (hg19) VCF-style: chr9-139418201-T-G.
Other names: short protein forms E124A.
Identifiers: ClinVar variation 3300466 (VCV003300466.1).
Genomic context (GRCh38, chr9:136,523,749, plus strand): 5'-ACCCCTCAGGCTGTGGGTCCTCCCTCACCTGACCAGCCGGGCGGGCAGCGGCACTTGTAC[T>G]CCGTCAGCGTGAGCAGGTCGCAGGTGCCCCCGTTGCGGCAGGGGTTGGTGAGGCAGGCAT-3'
Protein context (NP_060087.3, residues 114-134): GGTCDLLTLT[Glu124Ala]YKCRCPPGWS

ClinVar aggregate classification (germline): Uncertain significance (1 of 4 stars; one submission).

Conditions:
Familial thoracic aortic aneurysm and aortic dissection (TAAD). Also called: Thoracic aortic aneurysms and dissections. Identifiers: Orphanet 91387, MedGen C4707243, MONDO:0019625.

gnomAD v4.1: 1 of 1,610,616 alleles (0.000062%); highest among the groups gnomAD compares: Non-Finnish European, 0.000085%; no homozygotes.

Submission:

Ambry Genetics
Classification: Uncertain significance for Familial thoracic aortic aneurysm and aortic dissection. Last evaluated: 2024-05-22. Review status: criteria provided, single submitter. Criteria: Ambry Variant Classification Scheme 2023. Collection method: clinical testing. Allele origin: germline.
Comment: The p.E124A variant (also known as c.371A>C), located in coding exon 3 of the NOTCH1 gene, results from an A to C substitution at nucleotide position 371. The glutamic acid at codon 124 is replaced by alanine, an amino acid with dissimilar properties. This amino acid position is conserved. In addition, this alteration is predicted to be tolerated by in silico analysis. Based on the available evidence, the clinical significance of this variant remains unclear.